The following is an entry in ClinVar:

ClinVar aggregate classification (germline): Conflicting classifications of pathogenicity. Review status: criteria provided, conflicting classifications (1 of 4 stars). 2 submissions from 2 submitters: Uncertain significance (1); Likely benign (1). Last evaluated 2026-01-13.

Conditions:
Tumor predisposition syndrome 3 (TPDS3). Also called: Glioma susceptibility 9; LONG TELOMERE SYNDROME, POT1-RELATED; POT1 Tumor Predisposition; Melanoma, cutaneous malignant, susceptibility to, 10. Identifiers: Orphanet 618, MedGen C4014476, MONDO:0014368, OMIM 615848.
Hereditary cancer-predisposing syndrome. Also called: Neoplastic Syndromes, Hereditary; Hereditary Cancer Syndrome; Hereditary neoplastic syndrome; Tumor predisposition. Identifiers: Orphanet 140162, MedGen C0027672, MeSH D009386, MONDO:0015356.

Allele frequency attached by ClinVar (database versions not stated): TOPMed below 0.00001; gnomAD 0.00001; gnomAD exomes 0.00001; ESP Exome Variant Server 0.00008.
gnomAD v4.1: 8 of 1,612,842 alleles (0.0005%); highest among the groups gnomAD compares: African/African-American, 0.0013%; no homozygotes.

Submissions (2):

Labcorp Genetics (formerly Invitae), Labcorp
Classification: Uncertain significance for Tumor predisposition syndrome 3. Last evaluated: 2026-01-13. Review status: criteria provided, single submitter. Criteria: Invitae Variant Classification Sherloc (09022015). Collection method: clinical testing. Allele origin: germline.
Comment: This sequence change replaces lysine, which is basic and polar, with glutamic acid, which is acidic and polar, at codon 412 of the POT1 protein (p.Lys412Glu). This variant is not present in population databases (gnomAD no frequency). This variant has not been reported in the literature in individuals affected with POT1-related conditions. ClinVar contains an entry for this variant (Variation ID: 1019342). Invitae Evidence Modeling of protein sequence and biophysical properties (such as structural, functional, and spatial information, amino acid conservation, physicochemical variation, residue mobility, and thermodynamic stability) indicates that this missense variant is not expected to disrupt POT1 protein function with a negative predictive value of 80%. In summary, the available evidence is currently insufficient to determine the role of this variant in disease. Therefore, it has been classified as a Variant of Uncertain Significance.

Ambry Genetics
Classification: Likely benign for Hereditary cancer-predisposing syndrome. Last evaluated: 2024-04-24. Review status: criteria provided, single submitter. Criteria: Ambry Variant Classification Scheme 2023. Collection method: clinical testing. Allele origin: germline.

NM_015450.3(POT1):c.1234A>G (p.Lys412Glu)

Gene: POT1 (protection of telomeres 1; minus strand). Cytogenetic location: 7q31.33.
Variant type: single nucleotide variant.
Coding change: c.1234A>G on transcript NM_015450.3 (MANE Select); coding-DNA position 1234, A replaced by G.
Protein change: p.Lys412Glu; replaces lysine 412 with glutamic acid.
Molecular consequence: missense variant. On other transcripts: non-coding transcript variant (3).
Genome position (GRCh38, 1-based): chr7:124,841,108, T>C on the plus strand (A>G on the coding strand, the complement: POT1 is on the minus strand). VCF-style: chr7-124841108-T-C. GRCh37 (hg19) VCF-style: chr7-124481162-T-C.
Other names: c.841A>G, p.Lys281Glu (NM_001042594.2); short protein forms K281E, K412E.
Identifiers: ClinVar variation 1019342 (VCV001019342.12), dbSNP rs371992419, ClinGen allele CA166104436.